The following is an entry in ClinVar:

NM_003718.5(CDK13):c.1085A>G (p.Tyr362Cys)

Gene: CDK13 (cyclin dependent kinase 13; plus strand). Cytogenetic location: 7p14.1.
Variant type: single nucleotide variant.
Coding change: c.1085A>G on transcript NM_003718.5 (MANE Select); coding-DNA position 1085, A replaced by G.
Protein change: p.Tyr362Cys; replaces tyrosine 362 with cysteine.
Molecular consequence: missense variant.
Genome position (GRCh38, 1-based): chr7:39,951,726, A>G. VCF-style: chr7-39951726-A-G. GRCh37 (hg19) VCF-style: chr7-39991325-A-G.
Other names: c.1085A>G, p.Tyr362Cys (NM_031267.4); short protein forms Y362C.
Identifiers: ClinVar variation 2181939 (VCV002181939.5), dbSNP rs748758733, ClinGen allele CA4228403.
Genomic context (GRCh38, chr7:39,951,726, plus strand): 5'-GCCCGGCAGGAGGTGGCAGCAGCCCCTATTCTCGGCGGCTGCCGCGCTCCCCGAGCCCCT[A>G]CAGTCGCCGCCGCTCCCCCAGCTACAGCCGCCACAGCTCCTACGAGCGGGGCGGCGACGT-3'
Protein context (NP_003709.3, residues 352-372): SRRLPRSPSP[Tyr362Cys]SRRRSPSYSR

ClinVar aggregate classification (germline): Uncertain significance. Review status: criteria provided, multiple submitters, no conflicts (2 of 4 stars). 2 submissions from 2 submitters: Uncertain significance (2). Last evaluated 2024-12-24.

Conditions:
Congenital heart defects, dysmorphic facial features, and intellectual developmental disorder (CHDFIDD). Identifiers: Orphanet 646278, MedGen C4479246, MONDO:0044302, OMIM 617360.

Allele frequency attached by ClinVar (database versions not stated): gnomAD exomes 0.00001; TOPMed 0.00002; ExAC 0.00003; gnomAD 0.00003.
gnomAD v4.1: 11 of 1,479,588 alleles (0.00074%); highest among the groups gnomAD compares: African/African-American, 0.0059%; no homozygotes.

Submissions (2):

Labcorp Genetics (formerly Invitae), Labcorp
Classification: Uncertain significance. Last evaluated: 2024-12-24. Review status: criteria provided, single submitter. Criteria: Invitae Variant Classification Sherloc (09022015). Collection method: clinical testing. Allele origin: germline.
Comment: This sequence change replaces tyrosine, which is neutral and polar, with cysteine, which is neutral and slightly polar, at codon 362 of the CDK13 protein (p.Tyr362Cys). This variant is present in population databases (rs748758733, gnomAD 0.01%). This variant has not been reported in the literature in individuals affected with CDK13-related conditions. ClinVar contains an entry for this variant (Variation ID: 2181939). Invitae Evidence Modeling of protein sequence and biophysical properties (such as structural, functional, and spatial information, amino acid conservation, physicochemical variation, residue mobility, and thermodynamic stability) has been performed for this missense variant. However, the output from this modeling did not meet the statistical confidence thresholds required to predict the impact of this variant on CDK13 protein function. In summary, the available evidence is currently insufficient to determine the role of this variant in disease. Therefore, it has been classified as a Variant of Uncertain Significance.

Revvity Omics, Revvity
Classification: Uncertain significance for Congenital heart defects, dysmorphic facial features, and intellectual developmental disorder. Last evaluated: 2024-10-29. Review status: criteria provided, single submitter. Criteria: ACMG Guidelines, 2015. Collection method: clinical testing. Allele origin: germline.